The following is an entry in ClinVar:

NM_000548.5(TSC2):c.2398T>C (p.Cys800Arg)

Gene: TSC2 (TSC complex subunit 2; plus strand). Cytogenetic location: 16p13.3.
Variant type: single nucleotide variant.
Coding change: c.2398T>C on transcript NM_000548.5 (MANE Select); coding-DNA position 2398, T replaced by C.
Protein change: p.Cys800Arg; replaces cysteine 800 with arginine.
Molecular consequence: missense variant.
Genome position (GRCh38, 1-based): chr16:2,074,242, T>C. VCF-style: chr16-2074242-T-C. GRCh37 (hg19) VCF-style: chr16-2124243-T-C.
Other names: c.2398T>C, p.Cys800Arg (NM_001077183.3, NM_001114382.3, NM_001363528.2 and 3 more transcripts); c.2287T>C, p.Cys763Arg (NM_001318827.2); c.2251T>C, p.Cys751Arg (NM_001318829.2); c.1798T>C, p.Cys600Arg (NM_001318831.2); c.2431T>C, p.Cys811Arg (NM_001318832.2); short protein forms C600R, C751R, C763R, C800R, C811R.
Identifiers: ClinVar variation 1010133 (VCV001010133.10), dbSNP rs776930735, ClinGen allele CA038885.

ClinVar aggregate classification (germline): Conflicting classifications of pathogenicity. Review status: criteria provided, conflicting classifications (1 of 4 stars). 2 submissions from 2 submitters: Uncertain significance (1); Benign (1). Last evaluated 2025-08-10.

Conditions:
Hereditary cancer-predisposing syndrome. Also called: Tumor predisposition; Hereditary Cancer Syndrome; Neoplastic Syndromes, Hereditary; Hereditary neoplastic syndrome. Identifiers: Orphanet 140162, MedGen C0027672, MeSH D009386, MONDO:0015356.
Tuberous sclerosis 2 (TSC2). Identifiers: Orphanet 805, MedGen C1860707, MONDO:0013199, OMIM 613254.

Allele frequency attached by ClinVar (database versions not stated): ExAC 0.00001; gnomAD exomes 0.00001; TOPMed 0.00001.
gnomAD v4.1: 2 of 1,612,526 alleles (0.00012%); highest among the groups gnomAD compares: East Asian, 0.0022%; no homozygotes.

Submissions (2):

Ambry Genetics
Classification: Uncertain significance for Hereditary cancer-predisposing syndrome. Last evaluated: 2025-08-10. Review status: criteria provided, single submitter. Criteria: Ambry Variant Classification Scheme 2023. Collection method: clinical testing. Allele origin: germline.
Comment: The p.C800R variant (also known as c.2398T>C), located in coding exon 21 of the TSC2 gene, results from a T to C substitution at nucleotide position 2398. The cysteine at codon 800 is replaced by arginine, an amino acid with highly dissimilar properties. This alteration was identified in 1 of 374 patients with clinically suspected TSC undergoing genetic testing within the TSC1 and TSC2 genes (Meng Y et al. J Hum Genet, 2021 Mar;66:227-236). In addition to the clinical data presented in the literature, this amino acid position is highly conserved in available vertebrate species. In addition, this alteration is predicted to be deleterious by in silico analysis. Since supporting evidence is limited at this time, the clinical significance of this alteration remains unclear.

Labcorp Genetics (formerly Invitae), Labcorp
Classification: Benign for Tuberous sclerosis 2. Last evaluated: 2025-02-03. Review status: criteria provided, single submitter. Criteria: Invitae Variant Classification Sherloc (09022015). Collection method: clinical testing. Allele origin: germline.

Literature cited by the submitters: PubMed 32917966 (cited by Ambry Genetics).